The following is an entry in ClinVar:

ClinVar aggregate classification (germline): Uncertain significance (1 of 4 stars; one submission).

Conditions:
Primary ciliary dyskinesia. Also called: Ciliary dyskinesia. Identifiers: Orphanet 244, MedGen C0008780, MONDO:0016575, HP:0012265.

Allele frequency attached by ClinVar (database versions not stated): gnomAD exomes below 0.00001; ExAC 0.00001.

Submission:

Labcorp Genetics (formerly Invitae), Labcorp
Classification: Uncertain significance for Primary ciliary dyskinesia. Last evaluated: 2022-07-03. Review status: criteria provided, single submitter. Criteria: Invitae Variant Classification Sherloc (09022015). Collection method: clinical testing. Allele origin: germline.
Comment: This sequence change replaces valine, which is neutral and non-polar, with alanine, which is neutral and non-polar, at codon 47 of the DNAAF3 protein (p.Val47Ala). This variant is present in population databases (rs751817551, gnomAD 0.003%). This variant has not been reported in the literature in individuals affected with DNAAF3-related conditions. Algorithms developed to predict the effect of missense changes on protein structure and function output the following: SIFT: "Tolerated"; PolyPhen-2: "Benign"; Align-GVGD: "Class C0". The alanine amino acid residue is found in multiple mammalian species, which suggests that this missense change does not adversely affect protein function. In summary, the available evidence is currently insufficient to determine the role of this variant in disease. Therefore, it has been classified as a Variant of Uncertain Significance.

NM_001256715.2(DNAAF3):c.-2T>C

Genes: DNAAF3 (dynein axonemal assembly factor 3; minus strand), DNAAF3-AS1 (DNAAF3 antisense RNA 1; plus strand). Cytogenetic location: 19q13.42.
Variant type: single nucleotide variant.
Coding change: c.-2T>C on transcript NM_001256715.2 (MANE Select); 2 bases upstream of the start codon, T replaced by C.
Molecular consequence: 5 prime UTR variant. On other transcripts: missense variant (2).
Genome position (GRCh38, 1-based): chr19:55,166,415, A>G on the plus strand (T>C on the coding strand, the complement: DNAAF3 is on the minus strand). VCF-style: chr19-55166415-A-G. GRCh37 (hg19) VCF-style: chr19-55677783-A-G.
Other names: c.140T>C, p.Val47Ala (NM_001256714.1, NM_178837.4); c.-240T>C (NM_001256716.2); short protein forms V47A.
Identifiers: ClinVar variation 2122761 (VCV002122761.4), dbSNP rs751817551, ClinGen allele CA9668278.